The following is an entry in ClinVar:

ClinVar aggregate classification (germline): Uncertain significance. Review status: criteria provided, multiple submitters, no conflicts (2 of 4 stars). 2 submissions from 2 submitters: Uncertain significance (2). Last evaluated 2024-11-07.

Conditions:
Early Myoclonic Encephalopathy. Identifiers: MedGen C0270855.

Allele frequency attached by ClinVar (database versions not stated): TOPMed 0.00003; gnomAD 0.00003.
gnomAD v4.1: 13 of 1,603,328 alleles (0.00081%); highest among the groups gnomAD compares: Middle Eastern, 0.034%; no homozygotes.

Submissions (2):

Ambry Genetics
Classification: Uncertain significance. Last evaluated: 2024-11-07. Review status: criteria provided, single submitter. Criteria: Ambry Variant Classification Scheme 2023. Collection method: clinical testing. Allele origin: germline.

Labcorp Genetics (formerly Invitae), Labcorp
Classification: Uncertain significance for Early Myoclonic Encephalopathy. Last evaluated: 2022-06-03. Review status: criteria provided, single submitter. Criteria: Invitae Variant Classification Sherloc (09022015). Collection method: clinical testing. Allele origin: germline.
Comment: ClinVar contains an entry for this variant (Variation ID: 951438). Algorithms developed to predict the effect of missense changes on protein structure and function are either unavailable or do not agree on the potential impact of this missense change (SIFT: "Deleterious"; PolyPhen-2: "Benign"; Align-GVGD: "Class C0"). In summary, the available evidence is currently insufficient to determine the role of this variant in disease. Therefore, it has been classified as a Variant of Uncertain Significance. This variant has not been reported in the literature in individuals affected with JMJD1C-related conditions. This sequence change replaces aspartic acid, which is acidic and polar, with glutamic acid, which is acidic and polar, at codon 54 of the JMJD1C protein (p.Asp54Glu). The frequency data for this variant in the population databases is considered unreliable, as metrics indicate poor data quality at this position in the gnomAD database.

NM_032776.3(JMJD1C):c.162C>A (p.Asp54Glu)

Genes: JMJD1C (jumonji domain containing 1C; minus strand), JMJD1C-AS1 (JMJD1C antisense RNA 1; plus strand). Cytogenetic location: 10q21.3.
Variant type: single nucleotide variant.
Coding change: c.162C>A on transcript NM_032776.3 (MANE Select); coding-DNA position 162, C replaced by A.
Protein change: p.Asp54Glu; replaces aspartic acid 54 with glutamic acid.
Molecular consequence: missense variant. On other transcripts: non-coding transcript variant (1), intron variant (2).
Genome position (GRCh38, 1-based): chr10:63,465,501, G>T on the plus strand (C>A on the coding strand, the complement: JMJD1C is on the minus strand). VCF-style: chr10-63465501-G-T. GRCh37 (hg19) VCF-style: chr10-65225261-G-T.
Other names: c.162C>A (NM_032776.1); c.162C>A, p.Asp54Glu (NM_001322252.2); c.-384+56237C>A (NM_001322258.2); c.-379+56237C>A (NM_001318154.2); short protein forms D54E.
Identifiers: ClinVar variation 951438 (VCV000951438.10), dbSNP rs754073844, ClinGen allele CA5519194.
Genomic context (GRCh38, chr10:63,465,501, plus strand): 5'-GCGAGAGCCGGGTGCGGGCGCGGCAGGGGAAAAGGGGGGCGCTGACTCTCTTACCGCCAG[G>T]TCCGGATTGCGGCTGTCCCTGTGTGACACGGCTCGGATGACCCCCGCTCGCCAGCTTCGC-3'
Protein context (NP_116165.1, residues 44-64): AVSHRDSRNP[Asp54Glu]LAVYVEFDDL